The following is an entry in ClinVar:

NM_001349884.2(DRAM2):c.72A>G (p.Ile24Met)

Gene: DRAM2 (DNA damage regulated autophagy modulator 2; minus strand). Cytogenetic location: 1p13.3.
Variant type: single nucleotide variant.
Coding change: c.72A>G on transcript NM_001349884.2 (MANE Select); coding-DNA position 72, A replaced by G.
Protein change: p.Ile24Met; replaces isoleucine 24 with methionine.
Molecular consequence: missense variant. On other transcripts: 5 prime UTR variant (8), non-coding transcript variant (8).
Genome position (GRCh38, 1-based): chr1:111,131,483, T>C on the plus strand (A>G on the coding strand, the complement: DRAM2 is on the minus strand). VCF-style: chr1-111131483-T-C. GRCh37 (hg19) VCF-style: chr1-111674105-T-C.
Other names: c.72A>G, p.Ile24Met (NM_001349881.2, NM_001349882.2, NM_001349885.2 and 1 more transcripts); c.-87A>G (NM_001349886.2, NM_001349887.2, NM_001349888.2); c.-179A>G (NM_001349889.2, NM_001349890.2, NM_001349892.2 and 1 more transcripts); c.-347A>G (NM_001349891.2); short protein forms I24M.
Identifiers: ClinVar variation 2077679 (VCV002077679.1), dbSNP rs2523905456, ClinGen allele CA341819727.

ClinVar aggregate classification (germline): Uncertain significance (1 of 4 stars; one submission).

Submission:

Labcorp Genetics (formerly Invitae), Labcorp
Classification: Uncertain significance. Last evaluated: 2022-07-12. Review status: criteria provided, single submitter. Criteria: Invitae Variant Classification Sherloc (09022015). Collection method: clinical testing. Allele origin: germline.
Comment: This sequence change replaces isoleucine, which is neutral and non-polar, with methionine, which is neutral and non-polar, at codon 24 of the DRAM2 protein (p.Ile24Met). This variant is not present in population databases (gnomAD no frequency). This variant has not been reported in the literature in individuals affected with DRAM2-related conditions. Algorithms developed to predict the effect of missense changes on protein structure and function output the following: SIFT: "Tolerated"; PolyPhen-2: "Benign"; Align-GVGD: "Class C0". The methionine amino acid residue is found in multiple mammalian species, which suggests that this missense change does not adversely affect protein function. In summary, the available evidence is currently insufficient to determine the role of this variant in disease. Therefore, it has been classified as a Variant of Uncertain Significance.